The following is an entry in ClinVar:

NM_001015880.2(PAPSS2):c.1679A>G (p.Tyr560Cys)

Gene: PAPSS2 (3'-phosphoadenosine 5'-phosphosulfate synthase 2; plus strand). Cytogenetic location: 10q23.31.
Variant type: single nucleotide variant.
Coding change: c.1679A>G on transcript NM_001015880.2 (MANE Select); coding-DNA position 1679, A replaced by G.
Protein change: p.Tyr560Cys; replaces tyrosine 560 with cysteine.
Molecular consequence: missense variant.
Genome position (GRCh38, 1-based): chr10:87,745,189, A>G. VCF-style: chr10-87745189-A-G. GRCh37 (hg19) VCF-style: chr10-89504946-A-G.
Other names: c.1664A>G, p.Tyr555Cys (NM_004670.4); c.1664A>G (NM_004670.3); short protein forms Y560C, Y555C.
Identifiers: ClinVar variation 497210 (VCV000497210.10), dbSNP rs745537723, ClinGen allele CA5589814.

ClinVar aggregate classification (germline): Uncertain significance. Review status: criteria provided, multiple submitters, no conflicts (2 of 4 stars). 3 submissions from 3 submitters: Uncertain significance (3). Last evaluated 2024-01-08.

Conditions:
Spondyloepimetaphyseal dysplasia, PAPSS2 type. Also called: SEMD, PAKISTANI TYPE; BRACHYOLMIA TYPE 4 WITH MILD EPIPHYSEAL AND METAPHYSEAL CHANGES; SPONDYLODYSPLASIA AND PREMATURE PUBARCHE. Identifiers: Orphanet 93282, MedGen C2748516, MONDO:0019666, OMIM 612847.
Inborn genetic diseases. Identifiers: MedGen C0950123, MeSH D030342.

Allele frequency attached by ClinVar (database versions not stated): TOPMed 0.00001; ExAC 0.00003; gnomAD exomes 0.00003 and 0.00001.

Submissions (3):

Ambry Genetics
Classification: Uncertain significance for Inborn genetic diseases. Last evaluated: 2024-01-08. Review status: criteria provided, single submitter. Criteria: Ambry Variant Classification Scheme 2023. Collection method: clinical testing. Allele origin: germline.

Labcorp Genetics (formerly Invitae), Labcorp
Classification: Uncertain significance for Spondyloepimetaphyseal dysplasia, PAPSS2 type. Last evaluated: 2022-11-08. Review status: criteria provided, single submitter. Criteria: Invitae Variant Classification Sherloc (09022015). Collection method: clinical testing. Allele origin: germline.
Comment: In summary, the available evidence is currently insufficient to determine the role of this variant in disease. Therefore, it has been classified as a Variant of Uncertain Significance. Algorithms developed to predict the effect of missense changes on protein structure and function (SIFT, PolyPhen-2, Align-GVGD) all suggest that this variant is likely to be disruptive. This sequence change replaces tyrosine, which is neutral and polar, with cysteine, which is neutral and slightly polar, at codon 560 of the PAPSS2 protein (p.Tyr560Cys). This variant is present in population databases (rs745537723, gnomAD 0.02%). This variant has not been reported in the literature in individuals affected with PAPSS2-related conditions. ClinVar contains an entry for this variant (Variation ID: 497210).

Eurofins Ntd Llc (ga)
Classification: Uncertain significance. Last evaluated: 2016-10-03. Review status: criteria provided, single submitter. Criteria: EGL Classification Definitions 2015. Collection method: clinical testing. Allele origin: germline. Observed: 1 variant allele, 1 heterozygote.